The following is an entry in ClinVar:

NM_003737.4(DCHS1):c.1513A>C (p.Asn505His)

Gene: DCHS1 (dachsous cadherin-related 1; minus strand). Cytogenetic location: 11p15.4.
Variant type: single nucleotide variant.
Coding change: c.1513A>C on transcript NM_003737.4 (MANE Select); coding-DNA position 1513, A replaced by C.
Protein change: p.Asn505His; replaces asparagine 505 with histidine.
Molecular consequence: missense variant.
Genome position (GRCh38, 1-based): chr11:6,640,101, T>G on the plus strand (A>C on the coding strand, the complement: DCHS1 is on the minus strand). VCF-style: chr11-6640101-T-G. GRCh37 (hg19) VCF-style: chr11-6661332-T-G.
Other names: c.1513A>C (NM_003737.2, NM_003737.3); short protein forms N505H.
Identifiers: ClinVar variation 1389820 (VCV001389820.8), dbSNP rs745711120, ClinGen allele CA5860951.

ClinVar aggregate classification (germline): Uncertain significance. Review status: criteria provided, multiple submitters, no conflicts (2 of 4 stars). 3 submissions from 3 submitters: Uncertain significance (3). Last evaluated 2025-05-01.

Conditions:
Inborn genetic diseases. Identifiers: MedGen C0950123, MeSH D030342.

Allele frequency attached by ClinVar (database versions not stated): gnomAD exomes 0.00005; ExAC 0.00006.
gnomAD v4.1: 13 of 1,613,714 alleles (0.00081%); highest among the groups gnomAD compares: Admixed American, 0.022%; no homozygotes.

Submissions (3):

Ambry Genetics
Classification: Uncertain significance for Inborn genetic diseases. Last evaluated: 2025-05-01. Review status: criteria provided, single submitter. Criteria: Ambry Variant Classification Scheme 2023. Collection method: clinical testing. Allele origin: germline.

GeneDx
Classification: Uncertain significance. Last evaluated: 2025-02-10. Review status: criteria provided, single submitter. Criteria: GeneDx Variant Classification Process June 2021. Collection method: clinical testing. Allele origin: germline. Affected: yes.
Comment: In silico analysis supports that this missense variant has a deleterious effect on protein structure/function; Has not been previously published as pathogenic or benign to our knowledge

Labcorp Genetics (formerly Invitae), Labcorp
Classification: Uncertain significance. Last evaluated: 2024-03-26. Review status: criteria provided, single submitter. Criteria: Invitae Variant Classification Sherloc (09022015). Collection method: clinical testing. Allele origin: germline.
Comment: This sequence change replaces asparagine, which is neutral and polar, with histidine, which is basic and polar, at codon 505 of the DCHS1 protein (p.Asn505His). This variant is present in population databases (rs745711120, gnomAD 0.04%). This variant has not been reported in the literature in individuals affected with DCHS1-related conditions. ClinVar contains an entry for this variant (Variation ID: 1389820). Advanced modeling of protein sequence and biophysical properties (such as structural, functional, and spatial information, amino acid conservation, physicochemical variation, residue mobility, and thermodynamic stability) has been performed at Invitae for this missense variant, however the output from this modeling did not meet the statistical confidence thresholds required to predict the impact of this variant on DCHS1 protein function. In summary, the available evidence is currently insufficient to determine the role of this variant in disease. Therefore, it has been classified as a Variant of Uncertain Significance.